The following is an entry in ClinVar:

NM_000059.4(BRCA2):c.4958C>A (p.Thr1653Asn)

Gene: BRCA2 (BRCA2 DNA repair associated; plus strand). Cytogenetic location: 13q13.1.
Variant type: single nucleotide variant.
Coding change: c.4958C>A on transcript NM_000059.4 (MANE Select); coding-DNA position 4958, C replaced by A.
Protein change: p.Thr1653Asn; replaces threonine 1653 with asparagine.
Molecular consequence: missense variant. On other transcripts: non-coding transcript variant (1), intron variant (2).
Genome position (GRCh38, 1-based): chr13:32,339,313, C>A. VCF-style: chr13-32339313-C-A. GRCh37 (hg19) VCF-style: chr13-32913450-C-A.
Other names: c.4958C>A, p.Thr1653Asn (NM_001406719.1, NM_001406720.1); c.1910-5245C>A (NM_001406721.1); c.425-5245C>A (NM_001406722.1); short protein forms T1653N.
Identifiers: ClinVar variation 3252905 (VCV003252905.1), dbSNP rs1555284004.

ClinVar aggregate classification (germline): Uncertain significance (1 of 4 stars; one submission).

Submission:

GeneDx
Classification: Uncertain significance. Last evaluated: 2023-08-23. Review status: criteria provided, single submitter. Criteria: GeneDx Variant Classification Process June 2021. Collection method: clinical testing. Allele origin: germline. Affected: yes.
Comment: Observed in an individual with a personal or family history of breast/ovarian cancer (Levanat et al., 2012); In silico analysis supports that this missense variant has a deleterious effect on protein structure/function; Not observed at significant frequency in large population cohorts (gnomAD); Also known as 5186C>A; This variant is associated with the following publications: (PMID: 22366370)